The following is an entry in ClinVar:

NM_000548.5(TSC2):c.3850C>G (p.Gln1284Glu)

Gene: TSC2 (TSC complex subunit 2; plus strand). Cytogenetic location: 16p13.3.
Variant type: single nucleotide variant.
Coding change: c.3850C>G on transcript NM_000548.5 (MANE Select); coding-DNA position 3850, C replaced by G.
Protein change: p.Gln1284Glu; replaces glutamine 1284 with glutamic acid.
Molecular consequence: missense variant. On other transcripts: non-coding transcript variant (1), intron variant (33).
Genome position (GRCh38, 1-based): chr16:2,082,471, C>G. VCF-style: chr16-2082471-C-G. GRCh37 (hg19) VCF-style: chr16-2132472-C-G.
Other names: c.3118C>G, p.Gln1040Glu (NM_001318831.2); c.3718C>G, p.Gln1240Glu (NM_001370404.1, NM_001406665.1); c.3721C>G, p.Gln1241Glu (NM_001370405.1, NM_021055.3); c.3847C>G, p.Gln1283Glu (NM_001406663.1); c.3250C>G, p.Gln1084Glu (NM_001406680.1); c.2377C>G, p.Gln793Glu (NM_001406690.1); c.2374C>G, p.Gln792Glu (NM_001406691.1); c.2341+673C>G (NM_001406693.1, NM_001406692.1, NM_001406694.1); and 25 more; short protein forms Q1040E, Q1084E, Q793E, Q1240E, Q1283E, Q792E, Q1241E, Q1284E.
Identifiers: ClinVar variation 2908184 (VCV002908184.4), dbSNP rs753308966, ClinGen allele CA394294986.

ClinVar aggregate classification (germline): Uncertain significance. Review status: criteria provided, multiple submitters, no conflicts (2 of 4 stars). 2 submissions from 2 submitters: Uncertain significance (2). Last evaluated 2026-01-14.

Conditions:
Hereditary cancer-predisposing syndrome. Also called: Tumor predisposition; Neoplastic Syndromes, Hereditary; Hereditary Cancer Syndrome; Hereditary neoplastic syndrome. Identifiers: Orphanet 140162, MedGen C0027672, MeSH D009386, MONDO:0015356.
Tuberous sclerosis 2 (TSC2). Identifiers: Orphanet 805, MedGen C1860707, MONDO:0013199, OMIM 613254.

gnomAD v4.1: 3 of 1,612,100 alleles (0.00019%); highest among the groups gnomAD compares: Non-Finnish European, 0.00025%; no homozygotes.

Submissions (2):

Ambry Genetics
Classification: Uncertain significance for Hereditary cancer-predisposing syndrome. Last evaluated: 2026-01-14. Review status: criteria provided, single submitter. Criteria: Ambry Variant Classification Scheme 2023. Collection method: clinical testing. Allele origin: germline.
Comment: The p.Q1284E variant (also known as c.3850C>G), located in coding exon 31 of the TSC2 gene, results from a C to G substitution at nucleotide position 3850. The glutamine at codon 1284 is replaced by glutamic acid, an amino acid with highly similar properties. This amino acid position is conserved. In addition, the in silico prediction for this alteration is inconclusive. Based on the available evidence, the clinical significance of this variant remains unclear.

Labcorp Genetics (formerly Invitae), Labcorp
Classification: Uncertain significance for Tuberous sclerosis 2. Last evaluated: 2023-03-17. Review status: criteria provided, single submitter. Criteria: Invitae Variant Classification Sherloc (09022015). Collection method: clinical testing. Allele origin: germline.
Comment: In summary, the available evidence is currently insufficient to determine the role of this variant in disease. Therefore, it has been classified as a Variant of Uncertain Significance. Advanced modeling of protein sequence and biophysical properties (such as structural, functional, and spatial information, amino acid conservation, physicochemical variation, residue mobility, and thermodynamic stability) performed at Invitae indicates that this missense variant is not expected to disrupt TSC2 protein function. This variant has not been reported in the literature in individuals affected with TSC2-related conditions. This variant is not present in population databases (gnomAD no frequency). This sequence change replaces glutamine, which is neutral and polar, with glutamic acid, which is acidic and polar, at codon 1284 of the TSC2 protein (p.Gln1284Glu).